The following is an entry in ClinVar:

NM_003737.4(DCHS1):c.4179C>G (p.Pro1393=)

Gene: DCHS1 (dachsous cadherin-related 1; minus strand). Cytogenetic location: 11p15.4.
Variant type: single nucleotide variant.
Coding change: c.4179C>G on transcript NM_003737.4 (MANE Select); coding-DNA position 4179, C replaced by G.
Protein change: p.Pro1393=; no amino-acid change (proline 1393 retained).
Molecular consequence: synonymous variant.
Genome position (GRCh38, 1-based): chr11:6,630,615, G>C on the plus strand (C>G on the coding strand, the complement: DCHS1 is on the minus strand). VCF-style: chr11-6630615-G-C. GRCh37 (hg19) VCF-style: chr11-6651846-G-C.
Identifiers: ClinVar variation 4534706 (VCV004534706.6).
Genomic context (GRCh38, chr11:6,630,615, plus strand): 5'-TCCCGGCCCCTCAGCGCGTACCGTAAGCGCGCGCCACGGCGGGCCAGCTTCGAAGTCCAG[G>C]GGCCGCGCCAGGTACAAGCGCCCTGAGGCCGCATCCAGCGCGAAGGTGCCCTCGGGATCG-3'
Protein context (NP_003728.1, residues 1383-1403): AASGRLYLAR[Pro1393=]LDFEAGPPWR

ClinVar aggregate classification (germline): Likely benign (1 of 4 stars; one submission).

Submission:

CeGaT Center for Human Genetics Tuebingen
Classification: Likely benign. Last evaluated: 2025-10-01. Review status: criteria provided, single submitter. Criteria: CeGaT Center For Human Genetics Tuebingen Variant Classification Criteria Version 2. Collection method: clinical testing. Allele origin: germline. Affected: yes. Observed: 1 variant allele.
Comment: DCHS1: PM2:Supporting, BP4, BP7